The following is an entry in ClinVar:

ClinVar aggregate classification (germline): Uncertain significance (1 of 4 stars; one submission).

Conditions:
Spermatogenic failure 18. Identifiers: MedGen C4539783, MONDO:0054615, OMIM 617576.
Ciliary dyskinesia, primary, 37 (CILD37). Also called: CILIARY DYSKINESIA, PRIMARY, 37, WITH OR WITHOUT SITUS INVERSUS. Identifiers: MedGen C4539798, MONDO:0033204, OMIM 617577.

Allele frequency attached by ClinVar (database versions not stated): gnomAD exomes 0.00001; TOPMed 0.00001; ExAC 0.00003; gnomAD 0.00003.
gnomAD v4.1: 23 of 1,613,736 alleles (0.0014%); highest among the groups gnomAD compares: East Asian, 0.0022%; no homozygotes.

Submission:

Labcorp Genetics (formerly Invitae), Labcorp
Classification: Uncertain significance for Ciliary dyskinesia, primary, 37; Spermatogenic failure 18. Last evaluated: 2024-09-30. Review status: criteria provided, single submitter. Criteria: Invitae Variant Classification Sherloc (09022015). Collection method: clinical testing. Allele origin: germline.
Comment: This sequence change replaces arginine, which is basic and polar, with tryptophan, which is neutral and slightly polar, at codon 256 of the DNAH1 protein (p.Arg256Trp). This variant is present in population databases (rs750740478, gnomAD 0.004%). This variant has not been reported in the literature in individuals affected with DNAH1-related conditions. ClinVar contains an entry for this variant (Variation ID: 1980286). An algorithm developed to predict the effect of missense changes on protein structure and function (PolyPhen-2) suggests that this variant is likely to be disruptive. In summary, the available evidence is currently insufficient to determine the role of this variant in disease. Therefore, it has been classified as a Variant of Uncertain Significance.

NM_015512.5(DNAH1):c.766C>T (p.Arg256Trp)

Gene: DNAH1 (dynein axonemal heavy chain 1; plus strand). Cytogenetic location: 3p21.1.
Variant type: single nucleotide variant.
Coding change: c.766C>T on transcript NM_015512.5 (MANE Select); coding-DNA position 766, C replaced by T.
Protein change: p.Arg256Trp; replaces arginine 256 with tryptophan.
Molecular consequence: missense variant.
Genome position (GRCh38, 1-based): chr3:52,327,909, C>T. VCF-style: chr3-52327909-C-T. GRCh37 (hg19) VCF-style: chr3-52361925-C-T.
Other names: short protein forms R256W.
Identifiers: ClinVar variation 1980286 (VCV001980286.4), dbSNP rs750740478, ClinGen allele CA2432767.